The following is an entry in ClinVar:

ClinVar aggregate classification (germline): Uncertain significance. Review status: criteria provided, multiple submitters, no conflicts (2 of 4 stars). 2 submissions from 2 submitters: Uncertain significance (2). Last evaluated 2022-04-28.

Submissions (2):

Blueprint Genetics
Classification: Uncertain significance. Last evaluated: 2022-04-28. Review status: criteria provided, single submitter. Criteria: ACMG Guidelines, 2015. Collection method: clinical testing. Allele origin: germline.

Labcorp Genetics (formerly Invitae), Labcorp
Classification: Uncertain significance. Last evaluated: 2020-05-23. Review status: criteria provided, single submitter. Criteria: Invitae Variant Classification Sherloc (09022015). Collection method: clinical testing. Allele origin: germline.
Comment: Algorithms developed to predict the effect of missense changes on protein structure and function are either unavailable or do not agree on the potential impact of this missense change (SIFT: "Deleterious"; PolyPhen-2: "Benign"; Align-GVGD: "Class C25"). In summary, the available evidence is currently insufficient to determine the role of this variant in disease. Therefore, it has been classified as a Variant of Uncertain Significance. This variant has not been reported in the literature in individuals with LRP5-related conditions. This variant is not present in population databases (ExAC no frequency). This sequence change replaces histidine with arginine at codon 572 of the LRP5 protein (p.His572Arg). The histidine residue is highly conserved and there is a small physicochemical difference between histidine and arginine.

NM_002335.4(LRP5):c.1715A>G (p.His572Arg)

Gene: LRP5 (LDL receptor related protein 5; plus strand). Cytogenetic location: 11q13.2.
Variant type: single nucleotide variant.
Coding change: c.1715A>G on transcript NM_002335.4 (MANE Select); coding-DNA position 1715, A replaced by G.
Protein change: p.His572Arg; replaces histidine 572 with arginine.
Molecular consequence: missense variant. On other transcripts: 5 prime UTR variant (1).
Genome position (GRCh38, 1-based): chr11:68,403,613, A>G. VCF-style: chr11-68403613-A-G. GRCh37 (hg19) VCF-style: chr11-68171081-A-G.
Other names: c.-223A>G (NM_001291902.2); short protein forms H572R.
Identifiers: ClinVar variation 999542 (VCV000999542.9), dbSNP rs2098653910, ClinGen allele CA381614443.